The following is an entry in ClinVar:

ClinVar aggregate classification (germline): Uncertain significance (1 of 4 stars; one submission).

Conditions:
Cardiovascular phenotype. Identifiers: MedGen CN230736.

Submission:

Ambry Genetics
Classification: Uncertain significance for Cardiovascular phenotype. Last evaluated: 2021-10-29. Review status: criteria provided, single submitter. Criteria: Ambry Variant Classification Scheme 2023. Collection method: clinical testing. Allele origin: germline.
Comment: The p.Y141N variant (also known as c.421T>A), located in coding exon 2 of the JPH2 gene, results from a T to A substitution at nucleotide position 421. The tyrosine at codon 141 is replaced by asparagine, an amino acid with dissimilar properties. This amino acid position is conserved. In addition, the in silico prediction for this alteration is inconclusive. Since supporting evidence is limited at this time, the clinical significance of this alteration remains unclear.

NM_020433.5(JPH2):c.421T>A (p.Tyr141Asn)

Gene: JPH2 (junctophilin 2; minus strand). Cytogenetic location: 20q13.12.
Variant type: single nucleotide variant.
Coding change: c.421T>A on transcript NM_020433.5 (MANE Select); coding-DNA position 421, T replaced by A.
Protein change: p.Tyr141Asn; replaces tyrosine 141 with asparagine.
Molecular consequence: missense variant.
Genome position (GRCh38, 1-based): chr20:44,160,366, A>T on the plus strand (T>A on the coding strand, the complement: JPH2 is on the minus strand). VCF-style: chr20-44160366-A-T. GRCh37 (hg19) VCF-style: chr20-42789006-A-T.
Other names: short protein forms Y141N.
Identifiers: ClinVar variation 1738826 (VCV001738826.2), dbSNP rs387906897, ClinGen allele CA409094415.